The following is an entry in ClinVar:

ClinVar aggregate classification (germline): Uncertain significance. Review status: criteria provided, single submitter (1 of 4 stars). 2 submissions from 2 submitters: Uncertain significance (1). 1 of the submissions does not count toward it. Last evaluated 2022-04-04.

Submissions (2):

Labcorp Genetics (formerly Invitae), Labcorp
Classification: Uncertain significance. Last evaluated: 2022-04-04. Review status: criteria provided, single submitter. Criteria: Invitae Variant Classification Sherloc (09022015). Collection method: clinical testing. Allele origin: germline.
Comment: In summary, the available evidence is currently insufficient to determine the role of this variant in disease. Therefore, it has been classified as a Variant of Uncertain Significance. Algorithms developed to predict the effect of sequence changes on RNA splicing suggest that this variant may create or strengthen a splice site. Experimental studies and prediction algorithms are not available or were not evaluated, and the functional significance of this variant is currently unknown. ClinVar contains an entry for this variant (Variation ID: 591995). This variant has not been reported in the literature in individuals affected with COX20-related conditions. This variant is not present in population databases (gnomAD no frequency). This variant, c.19_33dup, results in the insertion of 5 amino acid(s) of the COX20 protein (p.Pro7_Glu11dup), but otherwise preserves the integrity of the reading frame.

Gharavi Laboratory, Columbia University
Classification: Uncertain significance. Last evaluated: 2018-09-16. Review status: no assertion criteria provided. Criteria: ACMG Guidelines, 2015. Collection method: research. Allele origin: germline. Affected: yes. Not counted in ClinVar's aggregate classification.

NM_198076.6(COX20):c.19_33dup (p.Pro7_Glu11dup)

Genes: COX20 (cytochrome c oxidase assembly factor COX20; plus strand), LOC129932912 (ATAC-STARR-seq lymphoblastoid silent region 2019; plus strand). Cytogenetic location: 1q44.
Variant type: Duplication.
Coding change: c.19_33dup on transcript NM_198076.6 (MANE Select); coding-DNA positions 19 to 33, 15 bases duplicated (CCCGGTGAGCCCGAG).
Protein change: p.Pro7_Glu11dup.
Molecular consequence: inframe insertion. On other transcripts: non-coding transcript variant (1), splice donor variant (1).
Genome position (GRCh38, 1-based): chr1:244,835,733-244,835,747, CCCGGTGAGCCCGAG duplicated; duplicating any 15 consecutive bases within chr1:244,835,730-244,835,747 gives the same sequence; the c. name uses the placement nearest the transcript's 3' end. VCF-style (leftmost placement, unchanged base first): chr1-244835729-G-GGAGCCCGGTGAGCCC. GRCh37 (hg19) VCF-style: chr1-244999031-G-GGAGCCCGGTGAGCCC.
Other names: c.19_33dup, p.Pro7_Glu11dup (NM_001312871.1, NM_001312872.1, NM_001312874.1); c.19_22+11dup (NM_001312873.1).
Identifiers: ClinVar variation 591995 (VCV000591995.6), dbSNP rs1558174241, ClinGen allele CA891862775.